The following is an entry in ClinVar:

ClinVar aggregate classification (germline): Uncertain significance (1 of 4 stars; one submission).

Conditions:
Severe early-childhood-onset retinal dystrophy (STGD1). Also called: STGD; Stargardt macular dystrophy; Juvenile onset macular degeneration; Stargardt disease 1; MACULAR DYSTROPHY WITH FLECKS, TYPE 1. Identifiers: Orphanet 364055, Orphanet 827, MedGen C1855465, MeSH D000080362, MONDO:0009549, OMIM 248200.

Allele frequency attached by ClinVar (database versions not stated): gnomAD 0.00008 and 0.00009; TOPMed 0.00009; gnomAD exomes below 0.00001 and 0.00002; ExAC 0.00003.
gnomAD v4.1: 21 of 1,597,408 alleles (0.0013%); highest among the groups gnomAD compares: African/African-American, 0.021%; no homozygotes.

Submission:

Ocular Genomics Institute, Massachusetts Eye and Ear
Classification: Uncertain significance for Severe early-childhood-onset retinal dystrophy. Last evaluated: 2021-04-08. Review status: criteria provided, single submitter. Criteria: ACMG Guidelines, 2015. Collection method: research. Allele origin: germline. Affected: yes.
Comment: Through a review of available evidence we were able to apply the following criteria: PM2. Based on this evidence we have classified this variant as Variant of Uncertain Significance.

NM_000350.3(ABCA4):c.3608-35A>G

Genes: ABCA4 (ATP binding cassette subfamily A member 4; minus strand), LOC126805794 (BRD4-independent group 4 enhancer GRCh37_chr1:94502188-94503387; plus strand). Cytogenetic location: 1p22.1.
Variant type: single nucleotide variant.
Coding change: c.3608-35A>G on transcript NM_000350.3 (MANE Select); 35 bases into the intron before coding-DNA position 3608, A replaced by G.
Molecular consequence: intron variant.
Genome position (GRCh38, 1-based): chr1:94,037,385, T>C on the plus strand (A>G on the coding strand, the complement: ABCA4 is on the minus strand). VCF-style: chr1-94037385-T-C. GRCh37 (hg19) VCF-style: chr1-94502941-T-C.
Identifiers: ClinVar variation 1065785 (VCV001065785.1), dbSNP rs372604876, ClinGen allele CA957875.